The following is an entry in ClinVar:

NC_000003.11:g.(?_53125899)_(53226302_?)del

Genes: PRKCD (protein kinase C delta; plus strand), RFT1 (RFT1 glycolipid translocator homolog; minus strand). Cytogenetic location: 3p21.1.
Variant type: Deletion.
Identifiers: ClinVar variation 1070386 (VCV001070386.5).

ClinVar aggregate classification (germline): Pathogenic (1 of 4 stars; one submission).

Conditions:
Autoimmune lymphoproliferative syndrome, type III caused by mutation in PRKCD. Identifiers: Orphanet 3261, Orphanet 664711, MedGen C3809928, MONDO:8000024, OMIM 615559.

Submission:

Labcorp Genetics (formerly Invitae), Labcorp
Classification: Pathogenic for Autoimmune lymphoproliferative syndrome, type III caused by mutation in PRKCD. Last evaluated: 2020-08-02. Review status: criteria provided, single submitter. Criteria: Invitae Variant Classification Sherloc (09022015). Collection method: clinical testing. Allele origin: germline.
Comment: A gross deletion of the genomic region encompassing the full coding sequence of the PRKCD gene has been identified. The boundaries of this event are unknown as the deletion extends beyond the assayed region for this gene and therefore may encompass additional genes. This variant has not been reported in the literature in individuals with PRKCD-related conditions. Loss-of-function variants in PRKCD are known to be pathogenic (PMID: 11976687, 23319571, 23430113). For these reasons, this variant has been classified as Pathogenic.

Literature cited by the submitters: PubMed 11976687; PubMed 23319571; PubMed 23430113.